The following is an entry in ClinVar:

ClinVar aggregate classification (germline): Uncertain significance (1 of 4 stars; one submission).

Conditions:
Spastic paraplegia. Identifiers: MedGen C0037772, HP:0001258.

Allele frequency attached by ClinVar (database versions not stated): gnomAD exomes below 0.00001; TOPMed below 0.00001; gnomAD 0.00001.
gnomAD v4.1: 2 of 1,613,320 alleles (0.00012%); highest among the groups gnomAD compares: Non-Finnish European, 0.00017%; no homozygotes.

Submission:

Labcorp Genetics (formerly Invitae), Labcorp
Classification: Uncertain significance for Spastic paraplegia. Last evaluated: 2022-05-02. Review status: criteria provided, single submitter. Criteria: Invitae Variant Classification Sherloc (09022015). Collection method: clinical testing. Allele origin: germline.
Comment: In summary, the available evidence is currently insufficient to determine the role of this variant in disease. Therefore, it has been classified as a Variant of Uncertain Significance. Algorithms developed to predict the effect of missense changes on protein structure and function are either unavailable or do not agree on the potential impact of this missense change (SIFT: "Deleterious"; PolyPhen-2: "Probably Damaging"; Align-GVGD: "Class C0"). This variant has not been reported in the literature in individuals affected with ARSI-related conditions. This variant is not present in population databases (gnomAD no frequency). This sequence change replaces glutamine, which is neutral and polar, with proline, which is neutral and non-polar, at codon 416 of the ARSI protein (p.Gln416Pro).

NM_001012301.4(ARSI):c.1247A>C (p.Gln416Pro)

Gene: ARSI (arylsulfatase family member I; minus strand). Cytogenetic location: 5q32.
Variant type: single nucleotide variant.
Coding change: c.1247A>C on transcript NM_001012301.4 (MANE Select); coding-DNA position 1247, A replaced by C.
Protein change: p.Gln416Pro; replaces glutamine 416 with proline.
Molecular consequence: missense variant.
Genome position (GRCh38, 1-based): chr5:150,297,677, T>G on the plus strand (A>C on the coding strand, the complement: ARSI is on the minus strand). VCF-style: chr5-150297677-T-G. GRCh37 (hg19) VCF-style: chr5-149677240-T-G.
Other names: short protein forms Q416P.
Identifiers: ClinVar variation 1939895 (VCV001939895.5), dbSNP rs1757834952, ClinGen allele CA361728480.
Genomic context (GRCh38, chr5:150,297,677, plus strand): 5'-CAATCGCCATAGCCGGGGTCTCCTGTCAGCAGCTTCCACTCACCCACGCGGATGGCAGCC[T>G]GCACGGCGGTGTTCCAGATGCCAAAGCCGCCCTCCAGGGAGCCATGCTGGGCATGGTTGT-3'
Protein context (NP_001012301.1, residues 406-426): GGFGIWNTAV[Gln416Pro]AAIRVGEWKL